The following is an entry in ClinVar:

NM_020699.4(GATAD2B):c.1484G>A (p.Ser495Asn)

Gene: GATAD2B (GATA zinc finger domain containing 2B; minus strand). Cytogenetic location: 1q21.3.
Variant type: single nucleotide variant.
Coding change: c.1484G>A on transcript NM_020699.4 (MANE Select); coding-DNA position 1484, G replaced by A.
Protein change: p.Ser495Asn; replaces serine 495 with asparagine.
Molecular consequence: missense variant.
Genome position (GRCh38, 1-based): chr1:153,812,068, C>T on the plus strand (G>A on the coding strand, the complement: GATAD2B is on the minus strand). VCF-style: chr1-153812068-C-T. GRCh37 (hg19) VCF-style: chr1-153784544-C-T.
Other names: short protein forms S495N.
Identifiers: ClinVar variation 2788944 (VCV002788944.3), dbSNP rs538420657, ClinGen allele CA342581226.

ClinVar aggregate classification (germline): Uncertain significance (1 of 4 stars; one submission).

Allele frequency attached by ClinVar (database versions not stated): TOPMed below 0.00001; gnomAD exomes 0.00001.

Submission:

Labcorp Genetics (formerly Invitae), Labcorp
Classification: Uncertain significance. Last evaluated: 2024-05-15. Review status: criteria provided, single submitter. Criteria: Invitae Variant Classification Sherloc (09022015). Collection method: clinical testing. Allele origin: germline.
Comment: This sequence change replaces serine, which is neutral and polar, with asparagine, which is neutral and polar, at codon 495 of the GATAD2B protein (p.Ser495Asn). This variant is present in population databases (no rsID available, gnomAD 0.0009%). This variant has not been reported in the literature in individuals affected with GATAD2B-related conditions. Advanced modeling of protein sequence and biophysical properties (such as structural, functional, and spatial information, amino acid conservation, physicochemical variation, residue mobility, and thermodynamic stability) performed at Invitae indicates that this missense variant is not expected to disrupt GATAD2B protein function with a negative predictive value of 80%. In summary, the available evidence is currently insufficient to determine the role of this variant in disease. Therefore, it has been classified as a Variant of Uncertain Significance.